The following is an entry in ClinVar:

ClinVar aggregate classification (germline): Uncertain significance (1 of 4 stars; one submission).

Submission:

Labcorp Genetics (formerly Invitae), Labcorp
Classification: Uncertain significance. Last evaluated: 2022-07-23. Review status: criteria provided, single submitter. Criteria: Invitae Variant Classification Sherloc (09022015). Collection method: clinical testing. Allele origin: germline.
Comment: In summary, the available evidence is currently insufficient to determine the role of this variant in disease. Therefore, it has been classified as a Variant of Uncertain Significance. Advanced modeling of protein sequence and biophysical properties (such as structural, functional, and spatial information, amino acid conservation, physicochemical variation, residue mobility, and thermodynamic stability) performed at Invitae indicates that this missense variant is not expected to disrupt NSD1 protein function. This variant has not been reported in the literature in individuals affected with NSD1-related conditions. This variant is not present in population databases (gnomAD no frequency). This sequence change replaces proline, which is neutral and non-polar, with alanine, which is neutral and non-polar, at codon 2590 of the NSD1 protein (p.Pro2590Ala).

NM_022455.5(NSD1):c.7768C>G (p.Pro2590Ala)

Gene: NSD1 (nuclear receptor binding SET domain protein 1; plus strand). Cytogenetic location: 5q35.3.
Variant type: single nucleotide variant.
Coding change: c.7768C>G on transcript NM_022455.5 (MANE Select); coding-DNA position 7768, C replaced by G.
Protein change: p.Pro2590Ala; replaces proline 2590 with alanine.
Molecular consequence: missense variant.
Genome position (GRCh38, 1-based): chr5:177,295,136, C>G. VCF-style: chr5-177295136-C-G. GRCh37 (hg19) VCF-style: chr5-176722137-C-G.
Other names: c.6895C>G, p.Pro2299Ala (NM_001365684.2, NM_001409308.1, NM_172349.5); c.7768C>G, p.Pro2590Ala (NM_001409301.1, NM_001409302.1, NM_001409303.1); c.7348C>G, p.Pro2450Ala (NM_001409304.1); c.7015C>G, p.Pro2339Ala (NM_001409305.1); c.7006C>G, p.Pro2336Ala (NM_001409306.1, NM_001409307.1); c.6646C>G, p.Pro2216Ala (NM_001409309.1); short protein forms P2299A, P2339A, P2321A, P2450A, P2216A, P2336A, P2590A.
Identifiers: ClinVar variation 2061367 (VCV002061367.4), dbSNP rs1436659051, ClinGen allele CA362334493.
Genomic context (GRCh38, chr5:177,295,136, plus strand): 5'-CTTAGCCAATCCCCGGGCCTGGTGAAGCAGGCGAAGCAGATGGTCGGAGGCCAGCAACTA[C>G]CTGCACTTGCCGCCAAGAGTGGGCAATCTTTTAGGTCTCTCGGGAAGGCCCCAGCCTCCC-3'
Protein context (NP_071900.2, residues 2580-2600): AKQMVGGQQL[Pro2590Ala]ALAAKSGQSF